The following is an entry in ClinVar:

NM_001267550.2(TTN):c.74848del (p.Arg24950fs)

Genes: TTN-AS1 (TTN antisense RNA 1; plus strand), TTN (titin; minus strand). Cytogenetic location: 2q31.2.
Variant type: Deletion.
Coding change: c.74848del on transcript NM_001267550.2 (MANE Select); coding-DNA position 74848, one base deleted (A; older notation c.74848delA).
Protein change: p.Arg24950fs; shifts the reading frame from arginine 24950.
Molecular consequence: frameshift variant.
Genome position (GRCh38, 1-based): chr2:178,571,284, T deleted on the plus strand (A on the coding strand, the reverse complement: TTN is on the minus strand); the first of 3 consecutive T bases (chr2:178,571,284-178,571,286); deleting any one gives the same sequence. VCF-style (leftmost placement, unchanged base first): chr2-178571283-CT-C. GRCh37 (hg19) VCF-style: chr2-179436010-CT-C.
Other names: c.69925del, p.Arg23309fs (NM_001256850.1); c.47653del, p.Arg15885fs (NM_003319.4); c.67144del, p.Arg22382fs (NM_133378.4); c.48028del, p.Arg16010fs (NM_133432.3); c.48229del, p.Arg16077fs (NM_133437.4); short protein forms R15885fs, R16010fs, R16077fs, R22382fs, R23309fs, R24950fs.
Identifiers: ClinVar variation 1067360 (VCV001067360.12), dbSNP rs2154169198, ClinGen allele CA430255507.

ClinVar aggregate classification (germline): Likely pathogenic (1 of 4 stars; one submission).

Conditions:
Dilated cardiomyopathy 1G (CMD1G). Identifiers: Orphanet 154, MedGen C1858763, MONDO:0011400, OMIM 604145.
Autosomal recessive limb-girdle muscular dystrophy type 2J (LGMDR10). Also called: Limb-girdle muscular dystrophy, type 2J; MUSCULAR DYSTROPHY, LIMB-GIRDLE, AUTOSOMAL RECESSIVE 10. Identifiers: Orphanet 140922, MedGen C1837342, MONDO:0012127, OMIM 608807.

Submission:

Labcorp Genetics (formerly Invitae), Labcorp
Classification: Likely pathogenic for Dilated cardiomyopathy 1G; Autosomal recessive limb-girdle muscular dystrophy type 2J. Last evaluated: 2025-12-21. Review status: criteria provided, single submitter. Criteria: Invitae Variant Classification Sherloc (09022015). Collection method: clinical testing. Allele origin: germline.
Comment: This sequence change creates a premature translational stop signal (p.Arg24950Glufs*9) in the TTN gene. While this is not anticipated to result in nonsense mediated decay, it is expected to create a truncated TTN protein. This variant is not present in population databases (gnomAD no frequency). This variant has not been reported in the literature in individuals affected with TTN-related conditions. ClinVar contains an entry for this variant (Variation ID: 1067360). This variant is located in the A band of TTN (PMID: 25589632). Truncating variants in this region are significantly overrepresented in patients affected with dilated cardiomyopathy (PMID: 25589632). Truncating variants in this region have also been reported in individuals affected with autosomal recessive centronuclear myopathy (PMID: 23975875). In summary, the currently available evidence indicates that the variant is pathogenic, but additional data are needed to prove that conclusively. Therefore, this variant has been classified as Likely Pathogenic.

Literature cited by the submitters: PubMed 25589632; PubMed 23975875.